The following is an entry in ClinVar:

ClinVar aggregate classification (germline): Uncertain significance (1 of 4 stars; one submission).

Allele frequency attached by ClinVar (database versions not stated): gnomAD exomes below 0.00001.
gnomAD v4.1: 4 of 1,502,488 alleles (0.00027%); highest among the groups gnomAD compares: Non-Finnish European, 0.00027%; no homozygotes.

Submission:

Labcorp Genetics (formerly Invitae), Labcorp
Classification: Uncertain significance. Last evaluated: 2022-06-15. Review status: criteria provided, single submitter. Criteria: Invitae Variant Classification Sherloc (09022015). Collection method: clinical testing. Allele origin: germline.
Comment: This variant is not present in population databases (gnomAD no frequency). This variant has not been reported in the literature in individuals affected with HACD1-related conditions. Algorithms developed to predict the effect of missense changes on protein structure and function are either unavailable or do not agree on the potential impact of this missense change (SIFT: "Deleterious"; PolyPhen-2: "Benign"; Align-GVGD: "Class C0"). In summary, the available evidence is currently insufficient to determine the role of this variant in disease. Therefore, it has been classified as a Variant of Uncertain Significance. This sequence change replaces glycine, which is neutral and non-polar, with valine, which is neutral and non-polar, at codon 50 of the HACD1 protein (p.Gly50Val).

NM_014241.4(HACD1):c.149G>T (p.Gly50Val)

Genes: HACD1 (3-hydroxyacyl-CoA dehydratase 1; minus strand), LOC130003454 (ATAC-STARR-seq lymphoblastoid silent region 2183; plus strand). Cytogenetic location: 10p12.33.
Variant type: single nucleotide variant.
Coding change: c.149G>T on transcript NM_014241.4 (MANE Select); coding-DNA position 149, G replaced by T.
Protein change: p.Gly50Val; replaces glycine 50 with valine.
Molecular consequence: missense variant.
Genome position (GRCh38, 1-based): chr10:17,617,191, C>A on the plus strand (G>T on the coding strand, the complement: HACD1 is on the minus strand). VCF-style: chr10-17617191-C-A. GRCh37 (hg19) VCF-style: chr10-17659190-C-A.
Other names: short protein forms G50V.
Identifiers: ClinVar variation 1976971 (VCV001976971.5), dbSNP rs2493902117, ClinGen allele CA376209026.